The following is an entry in ClinVar:

NM_001177316.2(SLC34A3):c.113A>G (p.Glu38Gly)

Gene: SLC34A3 (solute carrier family 34 member 3; plus strand). Cytogenetic location: 9q34.3.
Variant type: single nucleotide variant.
Coding change: c.113A>G on transcript NM_001177316.2 (MANE Select); coding-DNA position 113, A replaced by G.
Protein change: p.Glu38Gly; replaces glutamic acid 38 with glycine.
Molecular consequence: missense variant.
Genome position (GRCh38, 1-based): chr9:137,232,099, A>G. VCF-style: chr9-137232099-A-G. GRCh37 (hg19) VCF-style: chr9-140126551-A-G.
Other names: c.113A>G, p.Glu38Gly (NM_001177317.2, NM_080877.3); short protein forms E38G.
Identifiers: ClinVar variation 4687279 (VCV004687279.1).

ClinVar aggregate classification (germline): Uncertain significance (1 of 4 stars; one submission).

gnomAD v4.1: 4 of 1,613,210 alleles (0.00025%); highest among the groups gnomAD compares: Non-Finnish European, 0.00034%; no homozygotes.

Submission:

Women's Health and Genetics/Laboratory Corporation of America, LabCorp
Classification: Uncertain significance. Last evaluated: 2025-10-15. Review status: criteria provided, single submitter. Criteria: LabCorp Variant Classification Summary - May 2015. Collection method: clinical testing. Allele origin: germline.
Comment: Variant summary: SLC34A3 c.113A>G (p.Glu38Gly) results in a non-conservative amino acid change in the encoded protein sequence. Algorithms developed to predict the effect of missense changes on protein structure and function are either unavailable or do not agree on the potential impact of this missense change. The variant was absent in 251212 control chromosomes. The available data on variant occurrences in the general population are insufficient to allow any conclusion about variant significance. To our knowledge, no occurrence of c.113A>G in individuals affected with SLC34A3-related conditions and no experimental evidence demonstrating its impact on protein function have been reported. No submitters have cited clinical-significance assessments for this variant to ClinVar. Based on the evidence outlined above, the variant was classified as uncertain significance.